The following is an entry in ClinVar:

NM_019066.5(MAGEL2):c.1583A>T (p.Gln528Leu)

Gene: MAGEL2 (MAGE family member L2; minus strand). Cytogenetic location: 15q11.2.
Variant type: single nucleotide variant.
Coding change: c.1583A>T on transcript NM_019066.5 (MANE Select); coding-DNA position 1583, A replaced by T.
Protein change: p.Gln528Leu; replaces glutamine 528 with leucine.
Molecular consequence: missense variant.
Genome position (GRCh38, 1-based): chr15:23,646,160, T>A on the plus strand (A>T on the coding strand, the complement: MAGEL2 is on the minus strand). VCF-style: chr15-23646160-T-A. GRCh37 (hg19) VCF-style: chr15-23891307-T-A.
Other names: short protein forms Q528L.
Identifiers: ClinVar variation 2868601 (VCV002868601.3), dbSNP rs2503980219, ClinGen allele CA391333744.

ClinVar aggregate classification (germline): Uncertain significance (1 of 4 stars; one submission).

Allele frequency attached by ClinVar (database versions not stated): gnomAD exomes below 0.00001.

Submission:

Labcorp Genetics (formerly Invitae), Labcorp
Classification: Uncertain significance. Last evaluated: 2023-06-03. Review status: criteria provided, single submitter. Criteria: Invitae Variant Classification Sherloc (09022015). Collection method: clinical testing. Allele origin: germline.
Comment: In summary, the available evidence is currently insufficient to determine the role of this variant in disease. Therefore, it has been classified as a Variant of Uncertain Significance. Advanced modeling of protein sequence and biophysical properties (such as structural, functional, and spatial information, amino acid conservation, physicochemical variation, residue mobility, and thermodynamic stability) has been performed at Invitae for this missense variant, however the output from this modeling did not meet the statistical confidence thresholds required to predict the impact of this variant on MAGEL2 protein function. This variant has not been reported in the literature in individuals affected with MAGEL2-related conditions. This variant is not present in population databases (gnomAD no frequency). This sequence change replaces glutamine, which is neutral and polar, with leucine, which is neutral and non-polar, at codon 528 of the MAGEL2 protein (p.Gln528Leu).